The following is an entry in ClinVar:

NM_152906.7(TANGO2):c.140T>C (p.Leu47Pro)

Gene: TANGO2 (transport and golgi organization 2 homolog; plus strand). Cytogenetic location: 22q11.21.
Variant type: single nucleotide variant.
Coding change: c.140T>C on transcript NM_152906.7 (MANE Select); coding-DNA position 140, T replaced by C.
Protein change: p.Leu47Pro; replaces leucine 47 with proline.
Molecular consequence: missense variant. On other transcripts: 5 prime UTR variant (12), non-coding transcript variant (5).
Genome position (GRCh38, 1-based): chr22:20,043,438, T>C. VCF-style: chr22-20043438-T-C. GRCh37 (hg19) VCF-style: chr22-20030961-T-C.
Other names: c.140T>C, p.Leu47Pro (NM_001283106.3, NM_001283116.3, NM_001283148.3 and 10 more transcripts); c.263T>C, p.Leu88Pro (NM_001283129.3, NM_001283215.3, NM_001322141.2 and 5 more transcripts); c.-40T>C (NM_001283235.3, NM_001322146.2, NM_001322148.2 and 9 more transcripts); short protein forms L88P, L47P.
Identifiers: ClinVar variation 1946650 (VCV001946650.3), dbSNP rs2518524847, ClinGen allele CA410693157.

ClinVar aggregate classification (germline): Uncertain significance (1 of 4 stars; one submission).

Submission:

Labcorp Genetics (formerly Invitae), Labcorp
Classification: Uncertain significance. Last evaluated: 2022-08-09. Review status: criteria provided, single submitter. Criteria: Invitae Variant Classification Sherloc (09022015). Collection method: clinical testing. Allele origin: germline.
Comment: In summary, the available evidence is currently insufficient to determine the role of this variant in disease. Therefore, it has been classified as a Variant of Uncertain Significance. Algorithms developed to predict the effect of missense changes on protein structure and function are either unavailable or do not agree on the potential impact of this missense change (SIFT: "Not Available"; PolyPhen-2: "Probably Damaging"; Align-GVGD: "Not Available"). This variant has not been reported in the literature in individuals affected with TANGO2-related conditions. This variant is not present in population databases (gnomAD no frequency). This sequence change replaces leucine, which is neutral and non-polar, with proline, which is neutral and non-polar, at codon 47 of the TANGO2 protein (p.Leu47Pro).